The following is an entry in ClinVar:

ClinVar aggregate classification (germline): Likely pathogenic (1 of 4 stars; one submission).

Conditions:
PCNT-related disorder. Also called: PCNT-related condition.

Submission:

PreventionGenetics, part of Exact Sciences
Classification: Likely pathogenic for PCNT-related condition. Last evaluated: 2025-03-19. Review status: criteria provided, single submitter. Criteria: ACMG Guidelines, 2015. Collection method: clinical testing. Allele origin: germline.
Comment: The PCNT c.4667_4668delAA variant is predicted to result in a frameshift and premature protein termination (p.Gln1556Argfs*9). To our knowledge, this variant has not been reported in the literature or in a large population database (gnomAD), indicating this variant is rare. Frameshift variants in PCNT are expected to be pathogenic. This variant is interpreted as likely pathogenic.

NM_006031.6(PCNT):c.4667_4668del (p.Gln1556fs)

Gene: PCNT (pericentrin; plus strand). Cytogenetic location: 21q22.3.
Variant type: Deletion.
Coding change: c.4667_4668del on transcript NM_006031.6 (MANE Select); coding-DNA positions 4667 to 4668, 2 bases deleted (AA; older notation c.4667_4668delAA).
Protein change: p.Gln1556fs; shifts the reading frame from glutamine 1556.
Molecular consequence: frameshift variant.
Genome position (GRCh38, 1-based): chr21:46,399,672-46,399,673, AA deleted. VCF-style (leftmost placement, unchanged base first): chr21-46399671-CAA-C. GRCh37 (hg19) VCF-style: chr21-47819585-CAA-C.
Other names: c.4313_4314del, p.Gln1438fs (NM_001315529.2); short protein forms Q1438fs, Q1556fs.
Identifiers: ClinVar variation 4984903 (VCV004984903.1).